The following is an entry in ClinVar:

ClinVar aggregate classification (germline): Uncertain significance (1 of 4 stars; one submission).

Conditions:
Primary ciliary dyskinesia. Also called: Ciliary dyskinesia. Identifiers: Orphanet 244, MedGen C0008780, MONDO:0016575, HP:0012265.

Submission:

Labcorp Genetics (formerly Invitae), Labcorp
Classification: Uncertain significance for Primary ciliary dyskinesia. Last evaluated: 2024-02-24. Review status: criteria provided, single submitter. Criteria: Invitae Variant Classification Sherloc (09022015). Collection method: clinical testing. Allele origin: germline.
Comment: This sequence change replaces glutamic acid, which is acidic and polar, with glutamine, which is neutral and polar, at codon 57 of the DRC1 protein (p.Glu57Gln). This variant is not present in population databases (gnomAD no frequency). This variant has not been reported in the literature in individuals affected with DRC1-related conditions. ClinVar contains an entry for this variant (Variation ID: 1713772). An algorithm developed to predict the effect of missense changes on protein structure and function (PolyPhen-2) suggests that this variant is likely to be disruptive. In summary, the available evidence is currently insufficient to determine the role of this variant in disease. Therefore, it has been classified as a Variant of Uncertain Significance.

NM_145038.5(DRC1):c.169G>C (p.Glu57Gln)

Gene: DRC1 (dynein regulatory complex subunit 1; plus strand). Cytogenetic location: 2p23.3.
Variant type: single nucleotide variant.
Coding change: c.169G>C on transcript NM_145038.5 (MANE Select); coding-DNA position 169, G replaced by C.
Protein change: p.Glu57Gln; replaces glutamic acid 57 with glutamine.
Molecular consequence: missense variant.
Genome position (GRCh38, 1-based): chr2:26,414,357, G>C. VCF-style: chr2-26414357-G-C. GRCh37 (hg19) VCF-style: chr2-26637225-G-C.
Other names: short protein forms E57Q.
Identifiers: ClinVar variation 1713772 (VCV001713772.6), dbSNP rs1311428069, ClinGen allele CA346096404.